The following is an entry in ClinVar:

NM_139057.4(ADAMTS17):c.1322+1G>A

Gene: ADAMTS17 (ADAM metallopeptidase with thrombospondin type 1 motif 17; minus strand). Cytogenetic location: 15q26.3.
Variant type: single nucleotide variant.
Coding change: c.1322+1G>A on transcript NM_139057.4 (MANE Select); the canonical splice donor site of the intron after coding-DNA position 1322, G replaced by A.
Molecular consequence: splice donor variant.
Genome position (GRCh38, 1-based): chr15:100,155,179, C>T on the plus strand (G>A on the coding strand, the complement: ADAMTS17 is on the minus strand). VCF-style: chr15-100155179-C-T. GRCh37 (hg19) VCF-style: chr15-100695384-C-T.
Identifiers: ClinVar variation 3252005 (VCV003252005.2).

ClinVar aggregate classification (germline): Uncertain significance (1 of 4 stars; one submission).

Conditions:
Weill-Marchesani 4 syndrome, recessive. Also called: Weill-Marchesani syndrome 4. Identifiers: Orphanet 363992, MedGen C2750787, MONDO:0013176, OMIM 613195.

gnomAD v4.1: 5 of 1,614,182 alleles (0.00031%); highest among the groups gnomAD compares: Non-Finnish European, 0.00042%; no homozygotes.

Submission:

Ma Clinic, Aier Eye Hospital
Classification: Uncertain significance for Weill-Marchesani 4 syndrome, recessive. Last evaluated: 2024-06-20. Review status: criteria provided, single submitter. Criteria: ACMG Guidelines, 2015. Collection method: clinical testing. Allele origin: germline. Affected: yes.
Comment: PVS1_Moderate+PM3_Supporting+PM2_Supporting